The following is an entry in ClinVar:

NM_001037.5(SCN1B):c.395A>G (p.Tyr132Cys)

Gene: SCN1B (sodium voltage-gated channel beta subunit 1; plus strand). Cytogenetic location: 19q13.11.
Variant type: single nucleotide variant.
Coding change: c.395A>G on transcript NM_001037.5 (MANE Select); coding-DNA position 395, A replaced by G.
Protein change: p.Tyr132Cys; replaces tyrosine 132 with cysteine.
Molecular consequence: missense variant.
Genome position (GRCh38, 1-based): chr19:35,033,686, A>G. VCF-style: chr19-35033686-A-G. GRCh37 (hg19) VCF-style: chr19-35524590-A-G.
Other names: c.296A>G, p.Tyr99Cys (NM_001321605.2); c.395A>G, p.Tyr132Cys (NM_199037.5); c.395A>G (NM_001037.4); short protein forms Y132C, Y99C.
Identifiers: ClinVar variation 1059807 (VCV001059807.10), dbSNP rs1265232012, ClinGen allele CA405328945.
Genomic context (GRCh38, chr19:35,033,686, plus strand): 5'-CCTACAACCACTCGGGCGACTACGAGTGCCACGTCTACCGCCTGCTCTTCTTCGAAAACT[A>G]CGAGCACAACACCAGCGTCGTCAAGAAGATCCACATTGAGGTAGTGGACAAAGGTGAGTC-3'
Protein context (NP_001028.1, residues 122-142): HVYRLLFFEN[Tyr132Cys]EHNTSVVKKI

ClinVar aggregate classification (germline): Uncertain significance. Review status: criteria provided, multiple submitters, no conflicts (2 of 4 stars). 2 submissions from 2 submitters: Uncertain significance (2). Last evaluated 2023-02-05.

Conditions:
Brugada syndrome 5 (BRGDA5). Identifiers: Orphanet 130, Orphanet 871, MedGen C2748541, MONDO:0013015, OMIM 612838.
Cardiovascular phenotype. Identifiers: MedGen CN230736.

Allele frequency attached by ClinVar (database versions not stated): gnomAD exomes below 0.00001; gnomAD 0.00001; TOPMed 0.00001.
gnomAD v4.1: 3 of 1,614,012 alleles (0.00019%); highest among the groups gnomAD compares: African/African-American, 0.0013%; no homozygotes.

Submissions (2):

Ambry Genetics
Classification: Uncertain significance for Cardiovascular phenotype. Last evaluated: 2023-02-05. Review status: criteria provided, single submitter. Criteria: Ambry Variant Classification Scheme 2023. Collection method: clinical testing. Allele origin: germline.
Comment: The p.Y132C variant (also known as c.395A>G), located in coding exon 3 of the SCN1B gene, results from an A to G substitution at nucleotide position 395. The tyrosine at codon 132 is replaced by cysteine, an amino acid with highly dissimilar properties. This amino acid position is conserved. In addition, this alteration is predicted to be deleterious by in silico analysis. Since supporting evidence is limited at this time, the clinical significance of this alteration remains unclear.

Labcorp Genetics (formerly Invitae), Labcorp
Classification: Uncertain significance for Brugada syndrome 5. Last evaluated: 2020-09-25. Review status: criteria provided, single submitter. Criteria: Invitae Variant Classification Sherloc (09022015). Collection method: clinical testing. Allele origin: germline.
Comment: In summary, the available evidence is currently insufficient to determine the role of this variant in disease. Therefore, it has been classified as a Variant of Uncertain Significance. Algorithms developed to predict the effect of missense changes on protein structure and function are either unavailable or do not agree on the potential impact of this missense change (SIFT: "Deleterious"; PolyPhen-2: "Probably Damaging"; Align-GVGD: "Class C15"). This variant has not been reported in the literature in individuals with SCN1B-related conditions. This variant is not present in population databases (ExAC no frequency). This sequence change replaces tyrosine with cysteine at codon 132 of the SCN1B protein (p.Tyr132Cys). The tyrosine residue is highly conserved and there is a large physicochemical difference between tyrosine and cysteine.